The following is an entry in ClinVar:

ClinVar aggregate classification (germline): Uncertain significance. Review status: criteria provided, multiple submitters, no conflicts (2 of 4 stars). 3 submissions from 3 submitters: Uncertain significance (3). Last evaluated 2025-09-11.

Conditions:
Classic or attenuated familial adenomatous polyposis. Identifiers: MedGen CN372698, MONDO:0021057.
Hereditary cancer-predisposing syndrome. Also called: Tumor predisposition; Hereditary Cancer Syndrome; Hereditary neoplastic syndrome; Neoplastic Syndromes, Hereditary. Identifiers: Orphanet 140162, MedGen C0027672, MeSH D009386, MONDO:0015356.
Familial adenomatous polyposis 1 (FAP1). Also called: FAMILIAL ADENOMATOUS POLYPOSIS 1, ATTENUATED; POLYPOSIS, ADENOMATOUS INTESTINAL. Identifiers: MedGen C2713442, MONDO:0021056, OMIM 175100. Disease mechanism: loss of function.

Allele frequency attached by ClinVar (database versions not stated): gnomAD exomes below 0.00001; TOPMed below 0.00001.
gnomAD v4.1: 1 of 1,614,004 alleles (0.000062%); highest among the groups gnomAD compares: Non-Finnish European, 0.000085%; no homozygotes.

Submissions (3):

Labcorp Genetics (formerly Invitae), Labcorp
Classification: Uncertain significance for Familial adenomatous polyposis 1. Last evaluated: 2025-09-11. Review status: criteria provided, single submitter. Criteria: Invitae Variant Classification Sherloc (09022015). Collection method: clinical testing. Allele origin: germline.
Comment: This sequence change replaces alanine, which is neutral and non-polar, with glycine, which is neutral and non-polar, at codon 731 of the APC protein (p.Ala731Gly). This variant is not present in population databases (gnomAD no frequency). This variant has not been reported in the literature in individuals affected with APC-related conditions. ClinVar contains an entry for this variant (Variation ID: 1443902). Invitae Evidence Modeling of protein sequence and biophysical properties (such as structural, functional, and spatial information, amino acid conservation, physicochemical variation, residue mobility, and thermodynamic stability) indicates that this missense variant is not expected to disrupt APC protein function with a negative predictive value of 95%. In summary, the available evidence is currently insufficient to determine the role of this variant in disease. Therefore, it has been classified as a Variant of Uncertain Significance.

Ambry Genetics
Classification: Uncertain significance for Hereditary cancer-predisposing syndrome. Last evaluated: 2024-12-06. Review status: criteria provided, single submitter. Criteria: Ambry Variant Classification Scheme 2023. Collection method: clinical testing. Allele origin: germline.
Comment: The p.A731G variant (also known as c.2192C>G), located in coding exon 15 of the APC gene, results from a C to G substitution at nucleotide position 2192. The alanine at codon 731 is replaced by glycine, an amino acid with similar properties. Missense alterations in APC are not a common cause of disease (Spier I et al. Genet Med. 2024 Feb;26(2):100992). This amino acid position is highly conserved in available vertebrate species. In addition, in silico predictors for this gene do not accurately predict pathogenicity. Based on the available evidence, the clinical significance of this variant remains unclear.

All of Us Research Program, National Institutes of Health
Classification: Uncertain significance for Classic or attenuated familial adenomatous polyposis. Last evaluated: 2024-03-24. Review status: criteria provided, single submitter. Criteria: ACMG Guidelines, 2015. Collection method: clinical testing. Allele origin: germline. Inheritance: Autosomal dominant inheritance. Observed: 1 variant allele, 1 heterozygote.
Comment: This missense variant replaces alanine with glycine at codon 731 of the APC protein. Computational prediction suggests that this variant may not impact protein structure and function (internally defined REVEL score threshold <= 0.5, PMID: 27666373). To our knowledge, functional studies have not been reported for this variant. This variant has not been reported in individuals affected with APC-related disorders in the literature. This variant has not been identified in the general population by the Genome Aggregation Database (gnomAD). The available evidence is insufficient to determine the role of this variant in disease conclusively. Therefore, this variant is classified as a Variant of Uncertain Significance.

This study involves interpretation of variants in research participants for the purpose of population health screening. Participant phenotype was not available at the time of variant classification. Additional details can be found in publication PMID: 35346344, PMCID: PMC8962531

NM_000038.6(APC):c.2192C>G (p.Ala731Gly)

Gene: APC (APC regulator of Wnt signaling pathway; plus strand). Cytogenetic location: 5q22.2.
Variant type: single nucleotide variant.
Coding change: c.2192C>G on transcript NM_000038.6 (MANE Select); coding-DNA position 2192, C replaced by G.
Protein change: p.Ala731Gly; replaces alanine 731 with glycine.
Molecular consequence: missense variant.
Genome position (GRCh38, 1-based): chr5:112,837,786, C>G. VCF-style: chr5-112837786-C-G. GRCh37 (hg19) VCF-style: chr5-112173483-C-G.
Other names: c.2192C>G, p.Ala731Gly (NM_001127510.3, NM_001354895.2); c.2138C>G, p.Ala713Gly (NM_001127511.3); c.2246C>G, p.Ala749Gly (NM_001354896.2); c.2222C>G, p.Ala741Gly (NM_001354897.2); c.2117C>G, p.Ala706Gly (NM_001354898.2); c.2108C>G, p.Ala703Gly (NM_001354899.2); c.2069C>G, p.Ala690Gly (NM_001354900.2); c.2015C>G, p.Ala672Gly (NM_001354901.2); and 5 more; short protein forms A605G, A706G, A731G, A571G, A640G, A749G, A448G, A672G.
Identifiers: ClinVar variation 1443902 (VCV001443902.12), dbSNP rs1554084002, ClinGen allele CA16026136.